The following is an entry in ClinVar:

NM_000245.4(MET):c.1106A>G (p.Tyr369Cys)

Gene: MET (MET proto-oncogene, receptor tyrosine kinase; plus strand). Cytogenetic location: 7q31.2.
Variant type: single nucleotide variant.
Coding change: c.1106A>G on transcript NM_000245.4 (MANE Select); coding-DNA position 1106, A replaced by G.
Protein change: p.Tyr369Cys; replaces tyrosine 369 with cysteine.
Molecular consequence: missense variant. On other transcripts: intron variant (1).
Genome position (GRCh38, 1-based): chr7:116,700,190, A>G. VCF-style: chr7-116700190-A-G. GRCh37 (hg19) VCF-style: chr7-116340244-A-G.
Other names: c.1106A>G, p.Tyr369Cys (NM_001127500.3, NM_001324401.3); c.-91+27613A>G (NM_001324402.2); short protein forms Y369C.
Identifiers: ClinVar variation 246618 (VCV000246618.13), dbSNP rs370314484, ClinGen allele CA10584658.
Genomic context (GRCh38, chr7:116,700,190, plus strand): 5'-GCAAGCCAGATTCTGCCGAACCAATGGATCGATCTGCCATGTGTGCATTCCCTATCAAAT[A>G]TGTCAACGACTTCTTCAACAAGATCGTCAACAAAAACAATGTGAGATGTCTCCAGCATTT-3'
Protein context (NP_000236.2, residues 359-379): RSAMCAFPIK[Tyr369Cys]VNDFFNKIVN

ClinVar aggregate classification (germline): Conflicting classifications of pathogenicity. Review status: criteria provided, conflicting classifications (1 of 4 stars). 2 submissions from 2 submitters: Uncertain significance (1); Likely benign (1). Last evaluated 2026-07-07.

Conditions:
Renal cell carcinoma. Identifiers: Orphanet 217071, MedGen C0007134, MeSH D002292, MONDO:0005086, HP:0005584.
Hereditary cancer-predisposing syndrome. Also called: Tumor predisposition; Neoplastic Syndromes, Hereditary; Hereditary Cancer Syndrome; Hereditary neoplastic syndrome. Identifiers: Orphanet 140162, MedGen C0027672, MeSH D009386, MONDO:0015356.

Allele frequency attached by ClinVar (database versions not stated): TOPMed below 0.00001; ESP Exome Variant Server 0.00008; gnomAD exomes below 0.00001.
gnomAD v4.1: 6 of 1,592,592 alleles (0.00038%); highest among the groups gnomAD compares: Non-Finnish European, 0.00051%; no homozygotes.

Submissions (2):

Ambry Genetics
Classification: Likely benign for Hereditary cancer-predisposing syndrome. Last evaluated: 2026-07-07. Review status: criteria provided, single submitter. Criteria: Ambry Variant Classification Scheme 2023. Collection method: clinical testing. Allele origin: germline.

Labcorp Genetics (formerly Invitae), Labcorp
Classification: Uncertain significance for Renal cell carcinoma. Last evaluated: 2016-01-23. Review status: criteria provided, single submitter. Criteria: Invitae Variant Classification Sherloc (09022015). Collection method: clinical testing. Allele origin: germline.
Comment: In summary, this is a novel missense change with uncertain impact on protein function. It has been classified as a Variant of Uncertain Significance. Algorithms developed to predict the effect of missense changes on protein structure and function do not agree on the potential impact of this missense change (SIFT: "Tolerated"; PolyPhen-2: "Possibly Damaging"; Align-GVGD: "Class C15"). This variant is not present in population databases (ExAC no frequency) and has not been reported in the literature in individuals with a MET-related disease. This sequence change replaces tyrosine with cysteine at codon 369 of the MET protein (p.Tyr369Cys). The tyrosine residue is moderately conserved and there is a large physicochemical difference between tyrosine and cysteine.